The following is an entry in ClinVar:

NM_001130438.3(SPTAN1):c.3116A>G (p.Gln1039Arg)

Gene: SPTAN1 (spectrin alpha, non-erythrocytic 1; plus strand). Cytogenetic location: 9q34.11.
Variant type: single nucleotide variant.
Coding change: c.3116A>G on transcript NM_001130438.3 (MANE Select); coding-DNA position 3116, A replaced by G.
Protein change: p.Gln1039Arg; replaces glutamine 1039 with arginine.
Molecular consequence: missense variant.
Genome position (GRCh38, 1-based): chr9:128,591,586, A>G. VCF-style: chr9-128591586-A-G. GRCh37 (hg19) VCF-style: chr9-131353865-A-G.
Other names: c.3116A>G, p.Gln1039Arg (NM_001195532.2, NM_001363759.2, NM_001363765.2 and 5 more transcripts); c.3152A>G, p.Gln1051Arg (NM_001375312.2, NM_001375318.1); short protein forms Q1039R, Q1051R.
Identifiers: ClinVar variation 1046189 (VCV001046189.9), dbSNP rs1853534747, ClinGen allele CA375060506.

ClinVar aggregate classification (germline): Uncertain significance (1 of 4 stars; one submission).

Conditions:
Early-infantile DEE. Also called: Ohtahara syndrome; Early infantile epileptic encephalopathy with suppression bursts; Early infantile epileptic encephalopathy. Identifiers: Orphanet 1934, MedGen C0393706, MONDO:0800491.

Submission:

Labcorp Genetics (formerly Invitae), Labcorp
Classification: Uncertain significance for Early-infantile DEE. Last evaluated: 2020-07-01. Review status: criteria provided, single submitter. Criteria: Invitae Variant Classification Sherloc (09022015). Collection method: clinical testing. Allele origin: germline.
Comment: Algorithms developed to predict the effect of missense changes on protein structure and function (SIFT, PolyPhen-2, Align-GVGD) all suggest that this variant is likely to be tolerated, but these predictions have not been confirmed by published functional studies and their clinical significance is uncertain. In summary, the available evidence is currently insufficient to determine the role of this variant in disease. Therefore, it has been classified as a Variant of Uncertain Significance. This variant has not been reported in the literature in individuals with SPTAN1-related conditions. This sequence change replaces glutamine with arginine at codon 1039 of the SPTAN1 protein (p.Gln1039Arg). The glutamine residue is moderately conserved and there is a small physicochemical difference between glutamine and arginine. This variant is not present in population databases (ExAC no frequency).